The following is an entry in ClinVar:

ClinVar aggregate classification (germline): Uncertain significance (1 of 4 stars; one submission).

Conditions:
Hereditary cancer-predisposing syndrome. Also called: Hereditary Cancer Syndrome; Tumor predisposition; Hereditary neoplastic syndrome; Neoplastic Syndromes, Hereditary. Identifiers: Orphanet 140162, MedGen C0027672, MeSH D009386, MONDO:0015356.
Cardiovascular phenotype. Identifiers: MedGen CN230736.

Submission:

Ambry Genetics
Classification: Uncertain significance for Cardiovascular phenotype; Hereditary cancer-predisposing syndrome. Last evaluated: 2024-09-23. Review status: criteria provided, single submitter. Criteria: Ambry Variant Classification Scheme 2023. Collection method: clinical testing. Allele origin: germline.
Comment: The p.Q181K variant (also known as c.541C>A), located in coding exon 5 of the NF1 gene, results from a C to A substitution at nucleotide position 541. The glutamine at codon 181 is replaced by lysine, an amino acid with similar properties. This amino acid position is conserved. In addition, the in silico prediction for this alteration is inconclusive. Based on the available evidence, the clinical significance of this variant remains unclear.

NM_001042492.3(NF1):c.541C>A (p.Gln181Lys)

Gene: NF1 (neurofibromin 1; plus strand). Cytogenetic location: 17q11.2.
Variant type: single nucleotide variant.
Coding change: c.541C>A on transcript NM_001042492.3 (MANE Select); coding-DNA position 541, C replaced by A.
Protein change: p.Gln181Lys; replaces glutamine 181 with lysine.
Molecular consequence: missense variant.
Genome position (GRCh38, 1-based): chr17:31,169,952, C>A. VCF-style: chr17-31169952-C-A. GRCh37 (hg19) VCF-style: chr17-29496970-C-A.
Other names: c.541C>A, p.Gln181Lys (NM_000267.4, NM_001128147.3); short protein forms Q181K.
Identifiers: ClinVar variation 3404763 (VCV003404763.1).